The following is an entry in ClinVar:

NM_000360.4(TH):c.1147G>A (p.Gly383Arg)

Gene: TH (tyrosine hydroxylase; minus strand). Cytogenetic location: 11p15.5.
Variant type: single nucleotide variant.
Coding change: c.1147G>A on transcript NM_000360.4 (MANE Select); coding-DNA position 1147, G replaced by A.
Protein change: p.Gly383Arg; replaces glycine 383 with arginine.
Molecular consequence: missense variant.
Genome position (GRCh38, 1-based): chr11:2,165,721, C>T on the plus strand (G>A on the coding strand, the complement: TH is on the minus strand). VCF-style: chr11-2165721-C-T. GRCh37 (hg19) VCF-style: chr11-2186951-C-T.
Other names: c.1240G>A, p.Gly414Arg (NM_199292.3); c.1228G>A, p.Gly410Arg (NM_199293.3); c.1240G>A (NM_199292.2); short protein forms G383R, G414R, G410R.
Identifiers: ClinVar variation 2077702 (VCV002077702.10), dbSNP rs370962049, ClinGen allele CA5818362.

ClinVar aggregate classification (germline): Pathogenic/Likely pathogenic. Review status: criteria provided, multiple submitters, no conflicts (2 of 4 stars). 7 submissions from 7 submitters: Pathogenic (1); Likely pathogenic (6). Last evaluated 2026-01-25.

Conditions:
TH-deficient dopa-responsive dystonia. Also called: Tyrosine Hydroxylase-Deficient Dopa-Responsive Dystonia; Segawa syndrome, autosomal recessive; DYT-TH. Identifiers: Orphanet 101150, MedGen C2673535, MONDO:0011551, OMIM 605407.

Submissions (7):

Labcorp Genetics (formerly Invitae), Labcorp
Classification: Likely pathogenic for TH-deficient dopa-responsive dystonia. Last evaluated: 2026-01-25. Review status: criteria provided, single submitter. Criteria: Invitae Variant Classification Sherloc (09022015). Collection method: clinical testing. Allele origin: germline.
Comment: This sequence change replaces glycine, which is neutral and non-polar, with arginine, which is basic and polar, at codon 414 of the TH protein (p.Gly414Arg). The frequency data for this variant in the population databases is considered unreliable, as metrics indicate poor data quality at this position in the gnomAD database. This missense change has been observed in individuals with TH-related conditions (PMID: 18058633, 19491146, 32185155, 36054588). ClinVar contains an entry for this variant (Variation ID: 2077702). Invitae Evidence Modeling of protein sequence and biophysical properties (such as structural, functional, and spatial information, amino acid conservation, physicochemical variation, residue mobility, and thermodynamic stability) has been performed for this missense variant. However, the output from this modeling did not meet the statistical confidence thresholds required to predict the impact of this variant on TH protein function. Experimental studies have shown that this missense change affects TH function (PMID: 24753243). This variant disrupts the p.Gly414 amino acid residue in TH. Other variant(s) that disrupt this residue have been observed in individuals with TH-related conditions (PMID: 36101825), which suggests that this may be a clinically significant amino acid residue. In summary, the currently available evidence indicates that the variant is pathogenic, but additional data are needed to prove that conclusively. Therefore, this variant has been classified as Likely Pathogenic.

First Genomix Gene Laboratory, Genetic Diagnostics Department
Classification: Likely pathogenic for TH-deficient dopa-responsive dystonia. Last evaluated: 2025-10-03. Review status: criteria provided, single submitter. Criteria: ACMG Guidelines, 2015. Collection method: clinical testing. Allele origin: germline. Inheritance: Autosomal recessive inheritance. Affected: no. Observed: 1 variant allele.

Myriad Genetics, Inc.
Classification: Likely pathogenic for TH-deficient dopa-responsive dystonia. Last evaluated: 2025-06-20. Review status: criteria provided, single submitter. Criteria: Myriad Autosomal Dominant, Autosomal Recessive and X-Linked Classification Criteria (2023). Collection method: clinical testing. Allele origin: unknown.
Comment: NM_199292.2(TH):c.1240G>A(G414R) is a missense variant classified as likely pathogenic in the context of tyrosine hydroxylase deficiency. G414R has been observed in cases with relevant disease (PMID: 23939262, 18058633, 32185155, 19491146, Qian_2024_(article), Jiang_2017_(article)). Relevant functional assessments of this variant are not available in the literature. G414R has been observed in referenced population frequency databases. In summary, NM_199292.2(TH):c.1240G>A(G414R) is a missense variant that has been observed more frequently in cases with the relevant disease than in healthy populations. Please note: this variant was assessed in the context of healthy population screening.

Fulgent Genetics
Classification: Likely pathogenic for TH-deficient dopa-responsive dystonia. Last evaluated: 2024-05-09. Review status: criteria provided, single submitter. Criteria: ACMG Guidelines, 2015. Collection method: clinical testing. Allele origin: germline.

Women's Health and Genetics/Laboratory Corporation of America, LabCorp
Classification: Likely pathogenic for TH-deficient dopa-responsive dystonia. Last evaluated: 2024-05-08. Review status: criteria provided, single submitter. Criteria: LabCorp Variant Classification Summary - May 2015. Collection method: clinical testing. Allele origin: germline.
Comment: Variant summary: TH c.1240G>A (p.Gly414Arg) results in a non-conservative amino acid change located in the Aromatic amino acid hydroxylase, C-terminal domain (IPR019774) of the encoded protein sequence. Four of five in-silico tools predict a damaging effect of the variant on protein function. The variant allele was found at a frequency of 1.6e-05 in 249482 control chromosomes. c.1240G>A has been reported in the literature in multiple compound heterozygous individuals affected with Dopa-responsive dystonia with second variants of unknown pathogenicity (e.g. Clot_2009, Giovanniello_2007, Chen_2020). At least one publication reports experimental evidence evaluating an impact on protein function, showing <10% of normal enzyme activity in vitro (e.g. Fossbakk_2014). The following publications have been ascertained in the context of this evaluation (PMID: 32185155, 19491146, 24753243, 18058633). ClinVar contains an entry for this variant (Variation ID: 2077702). Based on the evidence outlined above, the variant was classified as likely pathogenic.

Baylor Genetics
Classification: Likely pathogenic for TH-deficient dopa-responsive dystonia. Last evaluated: 2024-02-10. Review status: criteria provided, single submitter. Criteria: ACMG Guidelines, 2015. Collection method: clinical testing. Allele origin: unknown.

Revvity Omics, Revvity
Classification: Pathogenic for TH-deficient dopa-responsive dystonia. Last evaluated: 2022-04-14. Review status: criteria provided, single submitter. Criteria: ACMG Guidelines, 2015. Collection method: clinical testing. Allele origin: germline.

Literature cited by the submitters: PubMed 18058633 (cited by Labcorp Genetics (formerly Invitae), Labcorp and Women's Health and Genetics/Laboratory Corporation of America, LabCorp); PubMed 19491146 (cited by Labcorp Genetics (formerly Invitae), Labcorp and Women's Health and Genetics/Laboratory Corporation of America, LabCorp); PubMed 32185155 (cited by Labcorp Genetics (formerly Invitae), Labcorp and Women's Health and Genetics/Laboratory Corporation of America, LabCorp); PubMed 36054588 (cited by Labcorp Genetics (formerly Invitae), Labcorp); PubMed 24753243 (cited by Labcorp Genetics (formerly Invitae), Labcorp and Women's Health and Genetics/Laboratory Corporation of America, LabCorp); PubMed 36101825 (cited by Labcorp Genetics (formerly Invitae), Labcorp).